The following is an entry in ClinVar:

ClinVar aggregate classification (germline): Likely benign. Review status: criteria provided, multiple submitters, no conflicts (2 of 4 stars). 3 submissions from 3 submitters: Likely benign (2). 1 of the submissions does not count toward it. Last evaluated 2026-09-02.

Conditions:
FAM161A-related disorder. Also called: FAM161A-related condition.
Retinitis pigmentosa 28 (RP28). Identifiers: Orphanet 791, MedGen C1419614, MONDO:0011630, OMIM 606068.

Allele frequency attached by ClinVar (database versions not stated): gnomAD exomes below 0.00001; ExAC 0.00001; gnomAD 0.00001; TOPMed 0.00003.
gnomAD v4.1: 46 of 1,613,804 alleles (0.0029%); highest among the groups gnomAD compares: Non-Finnish European, 0.0038%; no homozygotes.

Submissions (3):

PreventionGenetics, part of Exact Sciences
Classification: Likely benign for FAM161A-related condition. Last evaluated: 2026-09-02. Review status: criteria provided, single submitter. Criteria: ACMG Guidelines, 2015. Collection method: clinical testing. Allele origin: germline.
Comment: This variant is classified as likely benign based on ACMG/AMP sequence variant interpretation guidelines (Richards et al. 2015 PMID: 25741868, with internal and published modifications).

Labcorp Genetics (formerly Invitae), Labcorp
Classification: Likely benign. Last evaluated: 2023-10-03. Review status: criteria provided, single submitter. Criteria: Invitae Variant Classification Sherloc (09022015). Collection method: clinical testing. Allele origin: germline.

Natera, Inc.
Classification: Likely benign for Retinitis pigmentosa type 28. Last evaluated: 2021-08-18. Review status: no assertion criteria provided. Collection method: clinical testing. Allele origin: germline. Not counted in ClinVar's aggregate classification.

NM_001201543.2(FAM161A):c.171C>T (p.Pro57=)

Genes: FAM161A (FAM161 centrosomal protein A; minus strand), LOC129933843 (ATAC-STARR-seq lymphoblastoid active region 15839; plus strand). Cytogenetic location: 2p15.
Variant type: single nucleotide variant.
Coding change: c.171C>T on transcript NM_001201543.2 (MANE Select); coding-DNA position 171, C replaced by T.
Protein change: p.Pro57=; no amino-acid change (proline 57 retained).
Molecular consequence: synonymous variant. On other transcripts: non-coding transcript variant (1).
Genome position (GRCh38, 1-based): chr2:61,853,871, G>A on the plus strand (C>T on the coding strand, the complement: FAM161A is on the minus strand). VCF-style: chr2-61853871-G-A. GRCh37 (hg19) VCF-style: chr2-62081006-G-A.
Other names: c.171C>T, p.Pro57= (NM_032180.3); c.171C>T (NM_001201543.1).
Identifiers: ClinVar variation 1094852 (VCV001094852.11), dbSNP rs764002326, ClinGen allele CA1679433.